The following is an entry in ClinVar:

ClinVar aggregate classification (germline): Uncertain significance (1 of 4 stars; one submission).

Conditions:
Autosomal recessive early-onset Parkinson disease 23. Identifiers: Orphanet 2828, MedGen C4225186, MONDO:0014796, OMIM 616840.

gnomAD v4.1: 7 of 1,613,774 alleles (0.00043%); highest among the groups gnomAD compares: South Asian, 0.0055%; no homozygotes.

Submission:

Neuberg Centre For Genomic Medicine, NCGM
Classification: Uncertain significance for Autosomal recessive early-onset Parkinson disease 23. Review status: criteria provided, single submitter. Criteria: ACMG Guidelines, 2015. Collection method: clinical testing. Allele origin: germline. Inheritance: Autosomal recessive inheritance. Affected: yes.
Comment: The observed missense c.5205G>T (p.Gln1735His) variant in VPS13C gene has not been reported previously as a pathogenic variant nor as a benign variant, to our knowledge. The p.Gln1735His variant is present with allele frequency of 0.001% in gnomAD Exomes. This variant has not been submitted to the ClinVar database. Multiple lines of computational evidence (Polyphen - Probably Damaging, SIFT - Damaging and MutationTaster - Disease causing) predict a damaging effect on protein structure and function for this variant. The reference amino acid of p.Gln1735His in VPS13C is predicted as conserved by GERP++ and PhyloP across 100 vertebrates. The amino acid Gln at position 1735 is changed to a His changing protein sequence and it might alter its composition and physico-chemical properties. For these reasons, this variant has been classified as a Variant of Uncertain Significance (VUS).

NM_020821.3(VPS13C):c.5205G>T (p.Gln1735His)

Gene: VPS13C (vacuolar protein sorting 13 homolog C; minus strand). Cytogenetic location: 15q22.2.
Variant type: single nucleotide variant.
Coding change: c.5205G>T on transcript NM_020821.3 (MANE Select); coding-DNA position 5205, G replaced by T.
Protein change: p.Gln1735His; replaces glutamine 1735 with histidine.
Molecular consequence: missense variant.
Genome position (GRCh38, 1-based): chr15:61,942,011, C>A on the plus strand (G>T on the coding strand, the complement: VPS13C is on the minus strand). VCF-style: chr15-61942011-C-A. GRCh37 (hg19) VCF-style: chr15-62234210-C-A.
Other names: c.5205G>T, p.Gln1735His (NM_001018088.3); c.5076G>T, p.Gln1692His (NM_017684.5, NM_018080.4); short protein forms Q1692H, Q1735H.
Identifiers: ClinVar variation 3362834 (VCV003362834.3).